The following is an entry in ClinVar:

ClinVar aggregate classification (germline): Uncertain significance (1 of 4 stars; one submission).

Conditions:
Dyskeratosis congenita, autosomal recessive 5 (DKCB5). Identifiers: MedGen C3554656, MONDO:0014076, OMIM 615190.
Pulmonary fibrosis and/or bone marrow failure, Telomere-related, 3. Also called: PULMONARY FIBROSIS AND/OR BONE MARROW FAILURE SYNDROME, TELOMERE-RELATED, 3. Identifiers: Orphanet 2032, MedGen C4225346, MONDO:0014613, OMIM 616373.

Submission:

Labcorp Genetics (formerly Invitae), Labcorp
Classification: Uncertain significance for Dyskeratosis congenita, autosomal recessive 5; Pulmonary fibrosis and/or bone marrow failure, Telomere-related, 3. Last evaluated: 2023-11-19. Review status: criteria provided, single submitter. Criteria: Invitae Variant Classification Sherloc (09022015). Collection method: clinical testing. Allele origin: germline.
Comment: This sequence change falls in intron 17 of the RTEL1 gene. It does not directly change the encoded amino acid sequence of the RTEL1 protein. This variant is not present in population databases (gnomAD no frequency). This variant has not been reported in the literature in individuals affected with RTEL1-related conditions. Algorithms developed to predict the effect of sequence changes on RNA splicing suggest that this variant may create or strengthen a splice site. In summary, the available evidence is currently insufficient to determine the role of this variant in disease. Therefore, it has been classified as a Variant of Uncertain Significance.

NM_001283009.2(RTEL1):c.1482-11G>A

Genes: RTEL1 (regulator of telomere elongation helicase 1; plus strand), RTEL1-TNFRSF6B (RTEL1-TNFRSF6B readthrough (NMD candidate); plus strand). Cytogenetic location: 20q13.33.
Variant type: single nucleotide variant.
Coding change: c.1482-11G>A on transcript NM_001283009.2 (MANE Select); 11 bases into the intron before coding-DNA position 1482, G replaced by A.
Molecular consequence: intron variant.
Genome position (GRCh38, 1-based): chr20:63,687,926, G>A. VCF-style: chr20-63687926-G-A. GRCh37 (hg19) VCF-style: chr20-62319279-G-A.
Other names: c.813-11G>A (NM_001283010.1); c.1554-11G>A (NM_032957.5); c.1482-11G>A (NM_016434.4).
Identifiers: ClinVar variation 2954042 (VCV002954042.3), dbSNP rs2517115310, ClinGen allele CA2740094655.